The following is an entry in ClinVar:

ClinVar aggregate classification (germline): Conflicting classifications of pathogenicity. Review status: criteria provided, conflicting classifications (1 of 4 stars). 4 submissions from 4 submitters: Uncertain significance (1); Likely benign (3). Last evaluated 2025-06-07.

Conditions:
TTN-related disorder. Also called: TTN-related condition; TTN-related disease; TTN-related disorders.
Cardiovascular phenotype. Identifiers: MedGen CN230736.
Autosomal recessive limb-girdle muscular dystrophy type 2J (LGMDR10). Also called: MUSCULAR DYSTROPHY, LIMB-GIRDLE, AUTOSOMAL RECESSIVE 10; Limb-girdle muscular dystrophy, type 2J. Identifiers: Orphanet 140922, MedGen C1837342, MONDO:0012127, OMIM 608807.
Dilated cardiomyopathy 1G (CMD1G). Identifiers: Orphanet 154, MedGen C1858763, MONDO:0011400, OMIM 604145.

Allele frequency attached by ClinVar (database versions not stated): gnomAD exomes below 0.00001; ExAC 0.00001; gnomAD 0.00001; TOPMed 0.00001; 1000 Genomes Project 0.00020; 1000 Genomes Project 30x 0.00031.
gnomAD v4.1: 3 of 1,610,794 alleles (0.00019%); highest among the groups gnomAD compares: Non-Finnish European, 0.00025%; no homozygotes.

Submissions (4):

PreventionGenetics, part of Exact Sciences
Classification: Likely benign for TTN-related condition. Last evaluated: 2025-06-07. Review status: criteria provided, single submitter. Criteria: ACMG Guidelines, 2015. Collection method: clinical testing. Allele origin: germline.
Comment: This variant is classified as likely benign based on ACMG/AMP sequence variant interpretation guidelines (Richards et al. 2015 PMID: 25741868, with internal and published modifications).

Labcorp Genetics (formerly Invitae), Labcorp
Classification: Likely benign for Dilated cardiomyopathy 1G; Autosomal recessive limb-girdle muscular dystrophy type 2J. Last evaluated: 2024-05-15. Review status: criteria provided, single submitter. Criteria: Invitae Variant Classification Sherloc (09022015). Collection method: clinical testing. Allele origin: germline.

Ambry Genetics
Classification: Likely benign for Cardiovascular phenotype. Last evaluated: 2021-01-20. Review status: criteria provided, single submitter. Criteria: Ambry Variant Classification Scheme 2023. Collection method: clinical testing. Allele origin: germline.

Eurofins Ntd Llc (ga)
Classification: Uncertain significance. Last evaluated: 2017-11-27. Review status: criteria provided, single submitter. Criteria: EGL Classification Definitions 2015. Collection method: clinical testing. Allele origin: germline. Observed: 1 variant allele, 1 heterozygote.

NM_001267550.2(TTN):c.83526T>G (p.Ala27842=)

Genes: TTN (titin; minus strand), TTN-AS1 (TTN antisense RNA 1; plus strand). Cytogenetic location: 2q31.2.
Variant type: single nucleotide variant.
Coding change: c.83526T>G on transcript NM_001267550.2 (MANE Select); coding-DNA position 83526, T replaced by G.
Protein change: p.Ala27842=; no amino-acid change (alanine 27842 retained).
Molecular consequence: synonymous variant.
Genome position (GRCh38, 1-based): chr2:178,562,606, A>C on the plus strand (T>G on the coding strand, the complement: TTN is on the minus strand). VCF-style: chr2-178562606-A-C. GRCh37 (hg19) VCF-style: chr2-179427333-A-C.
Other names: c.78603T>G, p.Ala26201= (NM_001256850.1); c.56331T>G, p.Ala18777= (NM_003319.4); c.75822T>G, p.Ala25274= (NM_133378.4); c.56706T>G, p.Ala18902= (NM_133432.3); c.56907T>G, p.Ala18969= (NM_133437.4).
Identifiers: ClinVar variation 595121 (VCV000595121.16), dbSNP rs539533062, ClinGen allele CA1988908.